The following is an entry in ClinVar:

NM_004415.4(DSP):c.4336C>T (p.Gln1446Ter)

Gene: DSP (desmoplakin; plus strand). Cytogenetic location: 6p24.3.
Variant type: single nucleotide variant.
Coding change: c.4336C>T on transcript NM_004415.4 (MANE Select); coding-DNA position 4336, C replaced by T.
Protein change: p.Gln1446Ter; replaces glutamine 1446 with a stop codon.
Molecular consequence: nonsense. On other transcripts: intron variant (2).
Genome position (GRCh38, 1-based): chr6:7,580,526, C>T. VCF-style: chr6-7580526-C-T. GRCh37 (hg19) VCF-style: chr6-7580759-C-T.
Other names: c.4050+286C>T (NM_001319034.2); c.3582+754C>T (NM_001008844.3); short protein forms Q1446*.
Identifiers: ClinVar variation 2574080 (VCV002574080.1), dbSNP rs1230821582, ClinGen allele CA362686082.
Genomic context (GRCh38, chr6:7,580,526, plus strand): 5'-GTGGAAGAAGACATCCAACAGCAAAAGGCCACTGGCTCTGAGGTGTCTCAGAGGAAACAG[C>T]AGCTGGAGGTTGAGCTGAGACAAGTCACTCAGATGCGAACAGAGGAGAGCGTAAGATATA-3'

ClinVar aggregate classification (germline): Likely pathogenic (0 of 4 stars; one submission).

Conditions:
Arrhythmogenic right ventricular dysplasia 8 (ARVD8). Also called: ARRHYTHMOGENIC RIGHT VENTRICULAR DYSPLASIA, FAMILIAL, 8; ARRHYTHMOGENIC RIGHT VENTRICULAR CARDIOMYOPATHY 8; Arrhythmogenic Right Ventricular Dysplasia/Cardiomyopathy 8. Identifiers: MedGen C1843896, MONDO:0011831, OMIM 607450.

Submission:

deCODE genetics, Amgen
Classification: Likely pathogenic for Arrhythmogenic right ventricular dysplasia 8. Last evaluated: 2023-07-21. Review status: no assertion criteria provided. Collection method: research. Allele origin: germline. Affected: yes. Observed: 1 variant allele.
Comment: The variant NM_004415.4:c.4336C>T (chr6:7580526) in DSP was detected in 1 heterozygote out of 58K WGS Icelanders (MAF= 0,001%). This variant has not been reported in ClinVar previously. Based on ACMG criteria (PVS1, PM2) this variant classifies as likely pathogenic.